The following is an entry in ClinVar:

ClinVar aggregate classification (germline): Conflicting classifications of pathogenicity. Review status: criteria provided, conflicting classifications (1 of 4 stars). 9 submissions from 9 submitters: Pathogenic (1); Likely pathogenic (5); Uncertain significance (1); Likely benign (1). 1 of the submissions does not count toward it. Last evaluated 2026-01-21.

Conditions:
Tooth agenesis, selective, 4 (STHAG4). Also called: LATERAL INCISORS, ABSENCE OF; LATERAL INCISORS, PEGGED OR MISSING; SUCCEDANEOUS TEETH, AGENESIS OF; TOOTH AGENESIS, SELECTIVE, 4, WITH OR WITHOUT ECTODERMAL DYSPLASIA. Identifiers: Orphanet 99798, MedGen C1835492, MONDO:0007881, OMIM 150400. Disease mechanism: loss of function.
Odonto-onycho-dermal dysplasia. Identifiers: Orphanet 2721, MedGen C0796093, MONDO:0009773, OMIM 257980.
WNT10A-related disorder. Also called: WNT10A-related disorders; WNT10A-related condition.

Allele frequency attached by ClinVar (database versions not stated): gnomAD 0.00076 and 0.00080; TOPMed 0.00024; ESP Exome Variant Server 0.00031; gnomAD exomes 0.00041; 1000 Genomes Project 30x 0.00047; 1000 Genomes Project 0.00060.

Submissions (9):

Labcorp Genetics (formerly Invitae), Labcorp
Classification: Likely benign for Tooth agenesis, selective, 4; Odonto-onycho-dermal dysplasia. Last evaluated: 2026-01-21. Review status: criteria provided, single submitter. Criteria: Invitae Variant Classification Sherloc (09022015). Collection method: clinical testing. Allele origin: germline.

GeneDx
Classification: Likely pathogenic. Last evaluated: 2025-06-25. Review status: criteria provided, single submitter. Criteria: GeneDx Variant Classification Process June 2021. Collection method: clinical testing. Allele origin: germline. Affected: yes.
Comment: Considered a low penetrance variant for autosomal dominant and recessive inherited tooth agenesis (PMID: 31433103); this variant has been observed in at least one homozygous individual in large population cohorts (gnomAD); In silico analysis supports that this missense variant has a deleterious effect on protein structure/function; This variant is associated with the following publications: (PMID: 23167694, 23991204, 24449199, 31589614, 33034246, 36294409, 36250548, 25545742, 31433103, 35999385)

Blueprint Genetics
Classification: Pathogenic for WNT10A-related disorders. Last evaluated: 2024-11-24. Review status: criteria provided, single submitter. Criteria: ACMG Guidelines, 2015. Collection method: clinical testing. Allele origin: germline. Affected: yes. Observed: 5 variant alleles.

PreventionGenetics, part of Exact Sciences
Classification: Likely pathogenic for WNT10A-related condition. Last evaluated: 2024-11-14. Review status: criteria provided, single submitter. Criteria: ACMG Guidelines, 2015. Collection method: clinical testing. Allele origin: germline.
Comment: The WNT10A c.337C>T variant is predicted to result in the amino acid substitution p.Arg113Cys. This variant has been reported in the homozygous, compound heterozygous, and heterozygous states in multiple individuals with tooth agenesis (Arte et al. 2013. PubMed ID: 23991204; Mostowska et al. 2014. PubMed ID: 25545742). Functional studies showed that this variant decreased WNT signaling, although some activity was retained (Zeng et al. 2020. PubMed ID: 33034246). This variant is reported in 0.66% of alleles in individuals of European (Finnish) descent in gnomAD. This variant is interpreted as likely pathogenic.

Revvity Omics, Revvity
Classification: Likely pathogenic. Last evaluated: 2024-05-31. Review status: criteria provided, single submitter. Criteria: ACMG Guidelines, 2015. Collection method: clinical testing. Allele origin: germline.

Department of Pathology and Laboratory Medicine, Sinai Health System
Classification: Likely pathogenic for Tooth agenesis, selective, 4; Odonto-onycho-dermal dysplasia. Last evaluated: 2023-09-12. Review status: criteria provided, single submitter. Criteria: ACMG Guidelines, 2015. Collection method: research. Allele origin: germline.

Institute for Clinical Genetics, University Hospital TU Dresden, University Hospital TU Dresden
Classification: Uncertain significance. Last evaluated: 2023-05-22. Review status: criteria provided, single submitter. Criteria: ACMG Guidelines, 2015. Collection method: clinical testing. Allele origin: germline.
Comment: PP3

MGZ Medical Genetics Center
Classification: Likely pathogenic for Tooth agenesis, selective, 4. Last evaluated: 2022-06-13. Review status: criteria provided, single submitter. Criteria: ACMG Guidelines, 2015. Collection method: clinical testing. Allele origin: germline. Affected: yes. Observed: 1 variant allele.
Comment: ACMG criteria applied: PM3_STR, PS4_SUP, PM2_SUP

Reproductive Health Research and Development, BGI Genomics
Classification: Likely pathogenic for Tooth agenesis, selective, 4. Last evaluated: 2020-01-06. Review status: no assertion criteria provided. Collection method: curation. Allele origin: germline. Not counted in ClinVar's aggregate classification.
Comment: NM_025216.2:c.337C>T in the WNT10A gene has an allele frequency of 0.007 in European (Finnish) subpopulation in the gnomAD database. This variant has been reported previously in the homozygous, reportedly compound heterozygous, and heterozygous state in multiple individuals with tooth agenesis (PMID: 23991204). Pathogenic computational verdict because pathogenic predictions from DANN, DEOGEN2, EIGEN, FATHMM-MKL, M-CAP, MVP, MutationAssessor, MutationTaster, REVEL and SIFT. Taken together, we interprete this variant as Pathogenic/Likely pathogenic. ACMG/AMP Criteria applied: PP3; PP4; PM3_Strong.

NM_025216.3(WNT10A):c.337C>T (p.Arg113Cys)

Gene: WNT10A (Wnt family member 10A; plus strand). Cytogenetic location: 2q35.
Variant type: single nucleotide variant.
Coding change: c.337C>T on transcript NM_025216.3 (MANE Select); coding-DNA position 337, C replaced by T.
Protein change: p.Arg113Cys; replaces arginine 113 with cysteine.
Molecular consequence: missense variant.
Genome position (GRCh38, 1-based): chr2:218,882,384, C>T. VCF-style: chr2-218882384-C-T. GRCh37 (hg19) VCF-style: chr2-219747106-C-T.
Other names: short protein forms R113C.
Identifiers: ClinVar variation 372548 (VCV000372548.27), dbSNP rs141074983, ClinGen allele CA501169.